The following is an entry in ClinVar:

ClinVar aggregate classification (germline): Pathogenic (1 of 4 stars; one submission).

Conditions:
Duchenne muscular dystrophy (DMD). Also called: MUSCULAR DYSTROPHY, PSEUDOHYPERTROPHIC PROGRESSIVE, DUCHENNE TYPE; Duchenne Muscular Dystrophy (DMD). Identifiers: Orphanet 98896, MedGen C0013264, MONDO:0010679, OMIM 310200.

Submission:

Labcorp Genetics (formerly Invitae), Labcorp
Classification: Pathogenic for Duchenne muscular dystrophy. Last evaluated: 2019-07-31. Review status: criteria provided, single submitter. Criteria: Invitae Variant Classification Sherloc (09022015). Collection method: clinical testing. Allele origin: germline.
Comment: This sequence change creates a premature translational stop signal (p.Ser2235Ilefs*12) in the DMD gene. It is expected to result in an absent or disrupted protein product. This variant is not present in population databases (ExAC no frequency). This variant has not been reported in the literature in individuals with DMD-related conditions. Loss-of-function variants in DMD are known to be pathogenic (PMID: 16770791, 25007885). For these reasons, this variant has been classified as Pathogenic.

Literature cited by the submitters: PubMed 16770791; PubMed 25007885.

NM_004006.3(DMD):c.6704del (p.Ser2235fs)

Gene: DMD (dystrophin; minus strand). Cytogenetic location: Xp21.1.
Variant type: Deletion.
Coding change: c.6704del on transcript NM_004006.3 (MANE Select); coding-DNA position 6704, one base deleted (G; older notation c.6704delG).
Protein change: p.Ser2235fs; shifts the reading frame from serine 2235.
Molecular consequence: frameshift variant. On other transcripts: 5 prime UTR variant (5).
Genome position (GRCh38, 1-based): chrX:31,932,138, C deleted on the plus strand (G on the coding strand, the reverse complement: DMD is on the minus strand). VCF-style (leftmost placement, unchanged base first): chrX-31932137-AC-A. GRCh37 (hg19) VCF-style: chrX-31950254-AC-A.
Other names: c.6680del, p.Ser2227fs (NM_000109.4); c.6692del, p.Ser2231fs (NM_004009.3); c.6335del, p.Ser2112fs (NM_004010.3); c.2681del, p.Ser894fs (NM_004011.4); c.2672del, p.Ser891fs (NM_004012.4); c.-677del (NM_004013.3, NM_004020.4, NM_004021.3 and 2 more transcripts); short protein forms S2112fs, S894fs, S2235fs, S2227fs, S2231fs, S891fs.
Identifiers: ClinVar variation 964578 (VCV000964578.3), dbSNP rs2094862793, ClinGen allele CA1139667358.
Genomic context (GRCh38, chrX:31,932,137, plus strand): 5'-TACCTTGACTTGCTCAAGCTTTTCTTTTAGTTGCTGCTCTTTTCCAGGTTCAAGTGGGAT[AC>A]TAGCAATGTTATCTGCTTCCTCCAACCATAAAACAAATTCATTTAAATCTCTTTGAAATT-3'